The following is an entry in ClinVar:

NM_177438.3(DICER1):c.4853C>T (p.Ser1618Leu)

Gene: DICER1 (dicer 1, ribonuclease III; minus strand). Cytogenetic location: 14q32.13.
Variant type: single nucleotide variant.
Coding change: c.4853C>T on transcript NM_177438.3 (MANE Select); coding-DNA position 4853, C replaced by T.
Protein change: p.Ser1618Leu; replaces serine 1618 with leucine.
Molecular consequence: missense variant.
Genome position (GRCh38, 1-based): chr14:95,096,067, G>A on the plus strand (C>T on the coding strand, the complement: DICER1 is on the minus strand). VCF-style: chr14-95096067-G-A. GRCh37 (hg19) VCF-style: chr14-95562404-G-A.
Other names: c.4853C>T, p.Ser1618Leu (NM_001195573.1, NM_001271282.3, NM_001291628.2 and 1 more transcripts); short protein forms S1618L.
Identifiers: ClinVar variation 242122 (VCV000242122.19), dbSNP rs377205344, ClinGen allele CA7330785.
Genomic context (GRCh38, chr14:95,096,067, plus strand): 5'-TCCGAGTCTTTCAATACAGAAGAGCGTGAACTGGCCACAGAAGCAGCAGCACAGCTCACT[G>A]AAAGGTTCTTTTGTTGGCTGTTGAAATTCTCCCGAGTAGGGCACAGGGCCTTTTCCCGAT-3'
Protein context (NP_803187.1, residues 1608-1628): ENFNSQQKNL[Ser1618Leu]VSCAAASVAS

ClinVar aggregate classification (germline): Uncertain significance. Review status: criteria provided, multiple submitters, no conflicts (2 of 4 stars). 5 submissions from 5 submitters: Uncertain significance (5). Last evaluated 2026-01-16.

Conditions:
Global developmental delay - lung cysts - overgrowth - Wilms tumor syndrome. Also called: GLOBAL DEVELOPMENTAL DELAY, LUNG CYSTS, OVERGROWTH, AND WILMS TUMOR; GLOW Syndrome. Identifiers: Orphanet 404476, MedGen C4748924, MONDO:0018445, OMIM 618272.
DICER1-related tumor predisposition. Also called: DICER1 syndrome; DICER1-related pleuropulmonary blastoma cancer predisposition syndrome. Identifiers: Orphanet 284343, MedGen C3839822, MONDO:0100216.
Hereditary cancer-predisposing syndrome. Also called: Neoplastic Syndromes, Hereditary; Tumor predisposition; Hereditary neoplastic syndrome; Hereditary Cancer Syndrome. Identifiers: Orphanet 140162, MedGen C0027672, MeSH D009386, MONDO:0015356.

Allele frequency attached by ClinVar (database versions not stated): gnomAD 0.00001; gnomAD exomes 0.00001 and 0.00002; ExAC 0.00002; TOPMed 0.00002; ESP Exome Variant Server 0.00008.
gnomAD v4.1: 4 of 1,614,090 alleles (0.00025%); highest among the groups gnomAD compares: East Asian, 0.0089%; no homozygotes.

Submissions (5):

Labcorp Genetics (formerly Invitae), Labcorp
Classification: Uncertain significance for DICER1-related tumor predisposition. Last evaluated: 2026-01-16. Review status: criteria provided, single submitter. Criteria: Invitae Variant Classification Sherloc (09022015). Collection method: clinical testing. Allele origin: germline.
Comment: This sequence change replaces serine, which is neutral and polar, with leucine, which is neutral and non-polar, at codon 1618 of the DICER1 protein (p.Ser1618Leu). The frequency data for this variant in the population databases is considered unreliable, as metrics indicate poor data quality at this position in the gnomAD database. This variant has not been reported in the literature in individuals affected with DICER1-related conditions. ClinVar contains an entry for this variant (Variation ID: 242122). Invitae Evidence Modeling of protein sequence and biophysical properties (such as structural, functional, and spatial information, amino acid conservation, physicochemical variation, residue mobility, and thermodynamic stability) indicates that this missense variant is not expected to disrupt DICER1 protein function with a negative predictive value of 95%. In summary, the available evidence is currently insufficient to determine the role of this variant in disease. Therefore, it has been classified as a Variant of Uncertain Significance.

Ambry Genetics
Classification: Uncertain significance for Hereditary cancer-predisposing syndrome. Last evaluated: 2025-12-03. Review status: criteria provided, single submitter. Criteria: Ambry Variant Classification Scheme 2023. Collection method: clinical testing. Allele origin: germline.
Comment: The p.S1618L variant (also known as c.4853C>T), located in coding exon 22 of the DICER1 gene, results from a C to T substitution at nucleotide position 4853. The serine at codon 1618 is replaced by leucine, an amino acid with dissimilar properties. This amino acid position is not well conserved in available vertebrate species. In addition, this alteration is predicted to be tolerated by in silico analysis. Since supporting evidence is limited at this time, the clinical significance of this alteration remains unclear.

Quest Diagnostics Nichols Institute San Juan Capistrano
Classification: Uncertain significance. Last evaluated: 2025-05-13. Review status: criteria provided, single submitter. Criteria: Quest Diagnostics criteria. Collection method: clinical testing. Allele origin: unknown.
Comment: The DICER1 c.4853C>T (p.Ser1618Leu) variant has been reported in the published literature in an individual with biliary tract cancer (PMID: 36072793 (2022)). The frequency of this variant in the general population (Genome Aggregation Database) is higher than would generally be expected for pathogenic variants in this gene. Analysis of this variant using bioinformatics tools for the prediction of the effect of amino acid changes on protein structure and function yielded predictions that this variant is benign. Based on the available information, we are unable to determine the clinical significance of this variant.

GeneDx
Classification: Uncertain significance. Last evaluated: 2024-08-01. Review status: criteria provided, single submitter. Criteria: GeneDx Variant Classification Process June 2021. Collection method: clinical testing. Allele origin: germline. Affected: yes.
Comment: In silico analysis indicates that this missense variant does not alter protein structure/function; Has not been previously published as pathogenic or benign to our knowledge

Baylor Genetics
Classification: Uncertain significance for Global developmental delay - lung cysts - overgrowth - Wilms tumor syndrome. Last evaluated: 2024-03-15. Review status: criteria provided, single submitter. Criteria: ACMG Guidelines, 2015. Collection method: clinical testing. Allele origin: unknown.

Literature cited by the submitters: PubMed 31768066 (cited by Quest Diagnostics Nichols Institute San Juan Capistrano); PubMed 36072793 (cited by Quest Diagnostics Nichols Institute San Juan Capistrano).